The following is an entry in ClinVar:

ClinVar aggregate classification (germline): Uncertain significance. Review status: criteria provided, multiple submitters, no conflicts (2 of 4 stars). 2 submissions from 2 submitters: Uncertain significance (2). Last evaluated 2022-02-02.

Conditions:
Joubert syndrome 17 (JBTS17). Identifiers: Orphanet 475, MedGen C3553264, MONDO:0013824, OMIM 614615.
Orofaciodigital syndrome type 6 (OFD6). Also called: Oral-facial-digital syndrome type 6; Central polydactyly cleft lip/palate or lingual lump and psychomotor retardation; Y-shaped central metacarpal and cerebellar defect; Joubert syndrome with orofacialdigital anomalies; OROFACIODIGITAL SYNDROME VI; OFDS VI. Identifiers: Orphanet 2754, MedGen C2745997, MONDO:0010176, OMIM 277170.

Submissions (2):

Labcorp Genetics (formerly Invitae), Labcorp
Classification: Uncertain significance. Last evaluated: 2022-02-02. Review status: criteria provided, single submitter. Criteria: Invitae Variant Classification Sherloc (09022015). Collection method: clinical testing. Allele origin: germline.
Comment: This sequence change replaces methionine, which is neutral and non-polar, with isoleucine, which is neutral and non-polar, at codon 694 of the CPLANE1 protein (p.Met694Ile). This variant is not present in population databases (gnomAD no frequency). This variant has not been reported in the literature in individuals affected with CPLANE1-related conditions. Algorithms developed to predict the effect of missense changes on protein structure and function are either unavailable or do not agree on the potential impact of this missense change (SIFT: "Tolerated"; PolyPhen-2: "Possibly Damaging"; Align-GVGD: "Class C0"). Algorithms developed to predict the effect of sequence changes on RNA splicing suggest that this variant may create or strengthen a splice site. In summary, the available evidence is currently insufficient to determine the role of this variant in disease. Therefore, it has been classified as a Variant of Uncertain Significance.

Fulgent Genetics
Classification: Uncertain significance for Orofaciodigital syndrome type 6; Joubert syndrome 17. Last evaluated: 2021-12-02. Review status: criteria provided, single submitter. Criteria: ACMG Guidelines, 2015. Collection method: clinical testing. Allele origin: unknown.

NM_001384732.1(CPLANE1):c.2082G>A (p.Met694Ile)

Gene: CPLANE1 (ciliogenesis and planar polarity effector complex subunit 1; minus strand). Cytogenetic location: 5p13.2.
Variant type: single nucleotide variant.
Coding change: c.2082G>A on transcript NM_001384732.1 (MANE Select); coding-DNA position 2082, G replaced by A.
Protein change: p.Met694Ile; replaces methionine 694 with isoleucine.
Molecular consequence: missense variant.
Genome position (GRCh38, 1-based): chr5:37,226,513, C>T on the plus strand (G>A on the coding strand, the complement: CPLANE1 is on the minus strand). VCF-style: chr5-37226513-C-T. GRCh37 (hg19) VCF-style: chr5-37226615-C-T.
Other names: c.2082G>A, p.Met694Ile (NM_023073.4); short protein forms M694I.
Identifiers: ClinVar variation 1425166 (VCV001425166.6), dbSNP rs2150434091, ClinGen allele CA359496677.
Genomic context (GRCh38, chr5:37,226,513, plus strand): 5'-AGCTGATGCTGAAATAACTTCAGGTTGAAGAATGTATACACCATTTAAATTGTCAGCTAC[C>T]ATTTTGAGTAAATAAAAACAAGCTAAAAGTTTCTCTGAGAATAACTGACCCTTTTGTTGC-3'
Protein context (NP_001371661.1, residues 684-704): KLLACFYLLK[Met694Ile]VADNLNGVYI